The following is an entry in ClinVar:

NM_020982.4(CLDN9):c.109G>A (p.Gly37Ser)

Gene: CLDN9 (claudin 9; plus strand). Cytogenetic location: 16p13.3.
Variant type: single nucleotide variant.
Coding change: c.109G>A on transcript NM_020982.4 (MANE Select); coding-DNA position 109, G replaced by A.
Protein change: p.Gly37Ser; replaces glycine 37 with serine.
Molecular consequence: missense variant.
Genome position (GRCh38, 1-based): chr16:3,013,471, G>A. VCF-style: chr16-3013471-G-A. GRCh37 (hg19) VCF-style: chr16-3063472-G-A.
Other names: short protein forms G37S.
Identifiers: ClinVar variation 4990600 (VCV004990600.1).

ClinVar aggregate classification (germline): Uncertain significance (1 of 4 stars; one submission).

Conditions:
CLDN9-related disorder. Also called: CLDN9-related condition.

Submission:

PreventionGenetics, part of Exact Sciences
Classification: Uncertain significance for CLDN9-related condition. Last evaluated: 2025-08-13. Review status: criteria provided, single submitter. Criteria: ACMG Guidelines, 2015. Collection method: clinical testing. Allele origin: germline.
Comment: The CLDN9 c.109G>A variant is predicted to result in the amino acid substitution p.Gly37Ser. To our knowledge, this variant has not been reported in the literature. This variant is reported in 0.0035% of alleles in individuals of European (Non-Finnish) descent in gnomAD. At this time, the clinical significance of this variant is uncertain due to the absence of conclusive functional and genetic evidence.